The following is an entry in ClinVar:

NM_000064.4(C3):c.2275G>C (p.Glu759Gln)

Gene: C3 (complement C3; minus strand). Cytogenetic location: 19p13.3.
Variant type: single nucleotide variant.
Coding change: c.2275G>C on transcript NM_000064.4 (MANE Select); coding-DNA position 2275, G replaced by C.
Protein change: p.Glu759Gln; replaces glutamic acid 759 with glutamine.
Molecular consequence: missense variant.
Genome position (GRCh38, 1-based): chr19:6,702,550, C>G on the plus strand (G>C on the coding strand, the complement: C3 is on the minus strand). VCF-style: chr19-6702550-C-G. GRCh37 (hg19) VCF-style: chr19-6702561-C-G.
Other names: short protein forms E759Q.
Identifiers: ClinVar variation 4280157 (VCV004280157.1).
Genomic context (GRCh38, chr19:6,702,550, plus strand): 5'-TCAAGTCCTCAACGTTCCACAGCCAGCTCTCTGGGAACTCACTTCGGGAAACGATGTTCT[C>G]TTCTGCAATGATGTCCTCATCCAGGTTACCTGCAGGGGGTTTAGATCTGCATTTAGAACA-3'
Protein context (NP_000055.2, residues 749-769): SNLDEDIIAE[Glu759Gln]NIVSRSEFPE

ClinVar aggregate classification (germline): Uncertain significance (1 of 4 stars; one submission).

Conditions:
Complement component 3 deficiency. Identifiers: Orphanet 280133, MedGen C3151071, MONDO:0013417, OMIM 613779.
C3 glomerulonephritis. Also called: Nephropathy due to CFHR5 Deficiency; C3 GLOMERULOPATHY 3. Identifiers: Orphanet 329931, MedGen C4055342, MONDO:0013892, OMIM 614809.
Atypical hemolytic-uremic syndrome. Identifiers: Orphanet 2134, MedGen C2931788, MONDO:0016244.

Submission:

Genomenon, Inc
Classification: Uncertain significance for Complement component 3 deficiency; C3 glomerulonephritis; Atypical hemolytic-uremic syndrome. Last evaluated: 2025-09-30. Review status: criteria provided, single submitter. Criteria: Genomenon Sequence Variant Interpretation Standards. Collection method: curation. Allele origin: germline. Affected: no.
Comment: C3 p.Glu759Gln (c.2275G>C) is a missense variant that changes the amino acid at residue 759 from Glutamic acid to Glutamine. This variant has been reported in the published literature (PMID:9988761). It is absent or not present at a significant frequency in gnomAD. In silico models agree that this variant is not damaging. In conclusion, we classify C3 p.Glu759Gln (c.2275G>C) as a variant of unknown significance.

Literature cited by the submitters: PubMed 9988761.